The following is an entry in ClinVar:

NM_000179.3(MSH6):c.4000_4001insTGTAACTAACTAACTATAATGGAATTATAACTAACTGACCTTAAGTTTCAAAGTGAGAAGATGAATCAGTCACTACGATTATTTC (p.Arg1334delinsLeuTer)

Gene: MSH6 (mutS homolog 6; plus strand). Cytogenetic location: 2p16.3.
Variant type: Insertion.
Coding change: c.4000_4001insTGTAACTAACTAACTATAATGGAATTATAACTAACTGACCTTAAGTTTCAAAGTGAGAAGATGAATCAGTCACTACGATTATTTC on transcript NM_000179.3 (MANE Select); coding-DNA positions 4000 to 4001, TGTAACTAACTAACTATAATGGAATTATAACTAACTGACCTTAAGTTTCAAAGTGAGAAGATGAATCAGTCACTACGATTATTTC inserted.
Protein change: p.Arg1334delinsLeuTer.
Molecular consequence: nonsense.
Genome position: GRCh38: chr2:47,806,650-47,806,651. GRCh37 (hg19): chr2:48,033,789-48,033,790.
Other names: c.3610_3611insTGTAACTAACTAACTATAATGGAATTATAACTAACTGACCTTAAGTTTCAAAGTGAGAAGATGAATCAGTCACTACGATTATTTC, p.Arg1204delinsLeuTer (NM_001281492.2); c.3094_3095insTGTAACTAACTAACTATAATGGAATTATAACTAACTGACCTTAAGTTTCAAAGTGAGAAGATGAATCAGTCACTACGATTATTTC, p.Arg1032delinsLeuTer (NM_001281493.2, NM_001281494.2).
Identifiers: ClinVar variation 1349983 (VCV001349983.8), dbSNP rs2104565974, ClinGen allele CA2573134797.

ClinVar aggregate classification (germline): Likely pathogenic (1 of 4 stars; one submission).

Conditions:
Hereditary nonpolyposis colorectal neoplasms. Identifiers: MedGen C0009405, MeSH D003123.

Submission:

Labcorp Genetics (formerly Invitae), Labcorp
Classification: Likely pathogenic for Hereditary nonpolyposis colorectal neoplasms. Last evaluated: 2021-01-07. Review status: criteria provided, single submitter. Criteria: Invitae Variant Classification Sherloc (09022015). Collection method: clinical testing. Allele origin: germline.
Comment: In summary, the currently available evidence indicates that the variant is pathogenic, but additional data are needed to prove that conclusively. Therefore, this variant has been classified as Likely Pathogenic. This sequence change creates a premature translational stop signal (p.Arg1334Leufs*2) in the MSH6 gene. While this is not anticipated to result in nonsense mediated decay, it is expected to disrupt the last 27 amino acid(s) of the MSH6 protein. This variant is not present in population databases (ExAC no frequency). This variant has not been reported in the literature in individuals with MSH6-related conditions. Algorithms developed to predict the effect of sequence changes on RNA splicing suggest that this variant may create or strengthen a splice site, but this prediction has not been confirmed by published transcriptional studies. A similar truncation at this position (p.Arg1334Ilefs*8), and a different truncation (deletion of exon 10) that lies downstream of this variant, have been determined to be likely pathogenic (Invitae). This suggests that deletion of this region of the MSH6 protein is causative of disease.